The following is an entry in ClinVar:

ClinVar aggregate classification (germline): Uncertain significance (1 of 4 stars; one submission).

Conditions:
Hereditary cancer-predisposing syndrome. Also called: Tumor predisposition; Hereditary Cancer Syndrome; Neoplastic Syndromes, Hereditary; Hereditary neoplastic syndrome. Identifiers: Orphanet 140162, MedGen C0027672, MeSH D009386, MONDO:0015356.

Submission:

Color Diagnostics, LLC DBA Color Health
Classification: Uncertain significance for Hereditary cancer-predisposing syndrome. Last evaluated: 2025-06-09. Review status: criteria provided, single submitter. Criteria: ACMG Guidelines, 2015. Collection method: clinical testing. Allele origin: germline.
Comment: This missense variant replaces serine with proline at codon 237 of the APC protein. Computational prediction suggests that this variant may not impact protein structure and function. To our knowledge, functional studies have not been reported for this variant. This variant has not been reported in individuals affected with APC-related disorders in the literature. This variant has not been identified in the general population by the Genome Aggregation Database (gnomAD). The available evidence is insufficient to determine the role of this variant in disease conclusively. Therefore, this variant is classified as a Variant of Uncertain Significance.

NM_000038.6(APC):c.709T>C (p.Ser237Pro)

Gene: APC (APC regulator of Wnt signaling pathway; plus strand). Cytogenetic location: 5q22.2.
Variant type: single nucleotide variant.
Coding change: c.709T>C on transcript NM_000038.6 (MANE Select); coding-DNA position 709, T replaced by C.
Protein change: p.Ser237Pro; replaces serine 237 with proline.
Molecular consequence: missense variant. On other transcripts: 5 prime UTR variant (4), non-coding transcript variant (2), intron variant (5).
Genome position (GRCh38, 1-based): chr5:112,792,509, T>C. VCF-style: chr5-112792509-T-C. GRCh37 (hg19) VCF-style: chr5-112128206-T-C.
Other names: c.709T>C, p.Ser237Pro (NM_001127510.3, NM_001354895.2, NM_001354896.2 and 12 more transcripts); c.739T>C, p.Ser247Pro (NM_001354897.2, NM_001354902.2, NM_001407446.1); c.634T>C, p.Ser212Pro (NM_001354898.2, NM_001354904.2, NM_001407451.1); c.532T>C, p.Ser178Pro (NM_001354900.2, NM_001354901.2, NM_001354905.2 and 1 more transcripts); c.-327T>C (NM_001354906.2, NM_001407470.1, NM_001407471.1 and 1 more transcripts); c.646-8770T>C (NM_001407452.1, NM_001407469.1, NM_001354899.2 and 1 more transcripts); c.676-8770T>C (NM_001127511.3); short protein forms S178P, S212P, S237P, S247P.
Identifiers: ClinVar variation 4757064 (VCV004757064.1).